The following is an entry in ClinVar:

ClinVar aggregate classification (germline): Likely pathogenic. Review status: criteria provided, multiple submitters, no conflicts (2 of 4 stars). 2 submissions from 2 submitters: Likely pathogenic (2). Last evaluated 2026-01-19.

Conditions:
Arrhythmogenic right ventricular dysplasia 8 (ARVD8). Also called: ARRHYTHMOGENIC RIGHT VENTRICULAR DYSPLASIA, FAMILIAL, 8; ARRHYTHMOGENIC RIGHT VENTRICULAR CARDIOMYOPATHY 8; Arrhythmogenic Right Ventricular Dysplasia/Cardiomyopathy 8. Identifiers: MedGen C1843896, MONDO:0011831, OMIM 607450.
Arrhythmogenic cardiomyopathy with wooly hair and keratoderma. Also called: PALMOPLANTAR KERATODERMA WITH LEFT VENTRICULAR CARDIOMYOPATHY AND WOOLLY HAIR; Carvajal syndrome; Arrhythmogenic cardiomyopathy with woolly hair and keratoderma; Dilated cardiomyopathy with woolly hair and keratoderma. Identifiers: Orphanet 65282, MedGen C1854063, MONDO:0011581, OMIM 605676.

Submissions (2):

Labcorp Genetics (formerly Invitae), Labcorp
Classification: Likely pathogenic for Arrhythmogenic cardiomyopathy with wooly hair and keratoderma; Arrhythmogenic right ventricular dysplasia 8. Last evaluated: 2026-01-19. Review status: criteria provided, single submitter. Criteria: Invitae Variant Classification Sherloc (09022015). Collection method: clinical testing. Allele origin: germline.
Comment: This sequence change affects a donor splice site in intron 12 of the DSP gene. It is expected to disrupt RNA splicing. Variants that disrupt the donor or acceptor splice site typically lead to a loss of protein function (PMID: 16199547), and loss-of-function variants in DSP are known to be pathogenic (PMID: 20716751, 24503780, 25227139, 30398466). This variant is not present in population databases (gnomAD no frequency). This variant has not been reported in the literature in individuals affected with DSP-related conditions. ClinVar contains an entry for this variant (Variation ID: 1489566). Algorithms developed to predict the effect of sequence changes on RNA splicing suggest that this variant may disrupt the consensus splice site. In summary, the currently available evidence indicates that the variant is pathogenic, but additional data are needed to prove that conclusively. Therefore, this variant has been classified as Likely Pathogenic.

KardioGenetik, Herz- und Diabeteszentrum NRW
Classification: Likely pathogenic for Arrhythmogenic right ventricular dysplasia 8. Last evaluated: 2023-10-30. Review status: criteria provided, single submitter. Criteria: ACMG Guidelines, 2015. Collection method: clinical testing. Allele origin: unknown. Affected: yes. Observed: 1 variant allele.

Literature cited by the submitters: PubMed 16199547 (cited by Labcorp Genetics (formerly Invitae), Labcorp); PubMed 20716751 (cited by Labcorp Genetics (formerly Invitae), Labcorp); PubMed 24503780 (cited by Labcorp Genetics (formerly Invitae), Labcorp); PubMed 25227139 (cited by Labcorp Genetics (formerly Invitae), Labcorp); PubMed 30398466 (cited by Labcorp Genetics (formerly Invitae), Labcorp).

NM_004415.4(DSP):c.1574+1G>A

Gene: DSP (desmoplakin; plus strand). Cytogenetic location: 6p24.3.
Variant type: single nucleotide variant.
Coding change: c.1574+1G>A on transcript NM_004415.4 (MANE Select); the canonical splice donor site of the intron after coding-DNA position 1574, G replaced by A.
Molecular consequence: splice donor variant.
Genome position (GRCh38, 1-based): chr6:7,569,341, G>A. VCF-style: chr6-7569341-G-A. GRCh37 (hg19) VCF-style: chr6-7569574-G-A.
Other names: c.1574+1G>A (NM_001319034.2, NM_001008844.3).
Identifiers: ClinVar variation 1489566 (VCV001489566.7), dbSNP rs1758971797, ClinGen allele CA362677894.